The following is an entry in ClinVar:

ClinVar aggregate classification (germline): Uncertain significance (1 of 4 stars; one submission).

Conditions:
Inborn genetic diseases. Identifiers: MedGen C0950123, MeSH D030342.

Submission:

Ambry Genetics
Classification: Uncertain significance for Inborn genetic diseases. Last evaluated: 2026-07-14. Review status: criteria provided, single submitter. Criteria: Ambry Variant Classification Scheme 2023. Collection method: clinical testing. Allele origin: germline.
Comment: The p.S300N variant (also known as c.899G>A), located in coding exon 9 of the RTEL1 gene, results from a G to A substitution at nucleotide position 899. The serine at codon 300 is replaced by asparagine, an amino acid with highly similar properties. This amino acid position is conserved. In addition, this alteration is predicted to be tolerated by in silico analysis. Based on the available evidence, the clinical significance of this variant remains unclear.

NM_001283009.2(RTEL1):c.899G>A (p.Ser300Asn)

Genes: RTEL1 (regulator of telomere elongation helicase 1; plus strand), RTEL1-TNFRSF6B (RTEL1-TNFRSF6B readthrough (NMD candidate); plus strand). Cytogenetic location: 20q13.33.
Variant type: single nucleotide variant.
Coding change: c.899G>A on transcript NM_001283009.2 (MANE Select); coding-DNA position 899, G replaced by A.
Protein change: p.Ser300Asn; replaces serine 300 with asparagine.
Molecular consequence: missense variant. On other transcripts: non-coding transcript variant (1).
Genome position (GRCh38, 1-based): chr20:63,674,073, G>A. VCF-style: chr20-63674073-G-A. GRCh37 (hg19) VCF-style: chr20-62305426-G-A.
Other names: c.230G>A, p.Ser77Asn (NM_001283010.1); c.899G>A, p.Ser300Asn (NM_016434.4); c.971G>A, p.Ser324Asn (NM_032957.5); short protein forms S300N, S77N, S324N.
Identifiers: ClinVar variation 5028482 (VCV005028482.1).